The following is an entry in ClinVar:

NM_018979.4(WNK1):c.506C>T (p.Pro169Leu)

Gene: WNK1 (WNK lysine deficient protein kinase 1; plus strand). Cytogenetic location: 12p13.33.
Variant type: single nucleotide variant.
Coding change: c.506C>T on transcript NM_018979.4 (MANE Select); coding-DNA position 506, C replaced by T.
Protein change: p.Pro169Leu; replaces proline 169 with leucine.
Molecular consequence: missense variant.
Genome position (GRCh38, 1-based): chr12:754,071, C>T. VCF-style: chr12-754071-C-T. GRCh37 (hg19) VCF-style: chr12-863237-C-T.
Other names: c.506C>T, p.Pro169Leu (NM_001184985.2, NM_014823.3, NM_213655.5); short protein forms P169L.
Identifiers: ClinVar variation 3760523 (VCV003760523.2).
Genomic context (GRCh38, chr12:754,071, plus strand): 5'-CGGGCCCTGCCCCCTCGACTGTCCCCAGCAGTACCAGCAAAGACCGCCCAGTGTCCCAGC[C>T]TAGCCTTGTGGGGAGCAAAGAGGAGCCGCCGCCGGCGAGAAGTGGCAGCGGCGGCGGCAG-3'
Protein context (NP_061852.3, residues 159-179): STSKDRPVSQ[Pro169Leu]SLVGSKEEPP

ClinVar aggregate classification (germline): Uncertain significance (1 of 4 stars; one submission).

Conditions:
Neuropathy, hereditary sensory and autonomic, type 2A (HSAN2A). Also called: ACROOSTEOLYSIS, GIACCAI TYPE; ACROOSTEOLYSIS, NEUROGENIC; MORVAN DISEASE; NEUROPATHY, CONGENITAL SENSORY; NEUROPATHY, HEREDITARY SENSORY RADICULAR, AUTOSOMAL RECESSIVE; NEUROPATHY, HEREDITARY SENSORY, TYPE IIA. Identifiers: Orphanet 970, MedGen C2752089, MONDO:0024309, OMIM 201300.
Pseudohypoaldosteronism type 2C (PHA2C). Also called: Pseudohypoaldosteronism Type IIC. Identifiers: Orphanet 757, Orphanet 88940, MedGen C1840391, MONDO:0013778, OMIM 614492.

gnomAD v4.1: 1 of 1,606,952 alleles (0.000062%); highest among the groups gnomAD compares: Non-Finnish European, 0.000085%; no homozygotes.

Submission:

Labcorp Genetics (formerly Invitae), Labcorp
Classification: Uncertain significance for Neuropathy, hereditary sensory and autonomic, type 2A; Pseudohypoaldosteronism type 2C. Last evaluated: 2024-06-09. Review status: criteria provided, single submitter. Criteria: Invitae Variant Classification Sherloc (09022015). Collection method: clinical testing. Allele origin: germline.
Comment: This sequence change replaces proline, which is neutral and non-polar, with leucine, which is neutral and non-polar, at codon 169 of the WNK1 protein (p.Pro169Leu). This variant is not present in population databases (gnomAD no frequency). This variant has not been reported in the literature in individuals affected with WNK1-related conditions. Advanced modeling of protein sequence and biophysical properties (such as structural, functional, and spatial information, amino acid conservation, physicochemical variation, residue mobility, and thermodynamic stability) performed at Invitae indicates that this missense variant is not expected to disrupt WNK1 protein function with a negative predictive value of 95%. In summary, the available evidence is currently insufficient to determine the role of this variant in disease. Therefore, it has been classified as a Variant of Uncertain Significance.